The following is an entry in ClinVar:

ClinVar aggregate classification (germline): Uncertain significance (1 of 4 stars; one submission).

Submission:

GeneDx
Classification: Uncertain significance. Last evaluated: 2024-12-20. Review status: criteria provided, single submitter. Criteria: GeneDx Variant Classification Process June 2021. Collection method: clinical testing. Allele origin: germline. Affected: yes.
Comment: Not observed at significant frequency in large population cohorts (gnomAD); In silico analysis supports that this missense variant has a deleterious effect on protein structure/function; Has not been previously published as pathogenic or benign to our knowledge

NM_000069.3(CACNA1S):c.1006G>A (p.Glu336Lys)

Gene: CACNA1S (calcium voltage-gated channel subunit alpha1 S; minus strand). Cytogenetic location: 1q32.1.
Variant type: single nucleotide variant.
Coding change: c.1006G>A on transcript NM_000069.3 (MANE Select); coding-DNA position 1006, G replaced by A.
Protein change: p.Glu336Lys; replaces glutamic acid 336 with lysine.
Molecular consequence: missense variant.
Genome position (GRCh38, 1-based): chr1:201,085,580, C>T on the plus strand (G>A on the coding strand, the complement: CACNA1S is on the minus strand). VCF-style: chr1-201085580-C-T. GRCh37 (hg19) VCF-style: chr1-201054708-C-T.
Other names: short protein forms E336K.
Identifiers: ClinVar variation 3907796 (VCV003907796.1).